The following is an entry in ClinVar:

ClinVar aggregate classification (germline): Likely benign. Review status: criteria provided, multiple submitters, no conflicts (2 of 4 stars). 3 submissions from 3 submitters: Likely benign (3). Last evaluated 2026-06-24.

Conditions:
NBAS-related disorder. Also called: NBAS-related condition.

Allele frequency attached by ClinVar (database versions not stated): ESP Exome Variant Server 0.00008; 1000 Genomes Project 30x 0.00016; 1000 Genomes Project 0.00020.
gnomAD v4.1: 61 of 1,613,876 alleles (0.0038%); highest among the groups gnomAD compares: Middle Eastern, 0.016%; no homozygotes.

Submissions (3):

PreventionGenetics, part of Exact Sciences
Classification: Likely benign for NBAS-related condition. Last evaluated: 2026-06-24. Review status: criteria provided, single submitter. Criteria: ACMG Guidelines, 2015. Collection method: clinical testing. Allele origin: germline.
Comment: This variant is classified as likely benign based on ACMG/AMP sequence variant interpretation guidelines (Richards et al. 2015 PMID: 25741868, with internal and published modifications).

Labcorp Genetics (formerly Invitae), Labcorp
Classification: Likely benign. Last evaluated: 2025-05-27. Review status: criteria provided, single submitter. Criteria: Invitae Variant Classification Sherloc (09022015). Collection method: clinical testing. Allele origin: germline.

Blueprint Genetics
Classification: Likely benign. Last evaluated: 2024-10-24. Review status: criteria provided, single submitter. Criteria: ACMG Guidelines, 2015. Collection method: clinical testing. Allele origin: germline.

NM_015909.4(NBAS):c.6627G>T (p.Thr2209=)

Gene: NBAS (NBAS subunit of NRZ tethering complex; minus strand). Cytogenetic location: 2p24.3.
Variant type: single nucleotide variant.
Coding change: c.6627G>T on transcript NM_015909.4 (MANE Select); coding-DNA position 6627, G replaced by T.
Protein change: p.Thr2209=; no amino-acid change (threonine 2209 retained).
Molecular consequence: synonymous variant. On other transcripts: non-coding transcript variant (1).
Genome position (GRCh38, 1-based): chr2:15,186,826, C>A on the plus strand (G>T on the coding strand, the complement: NBAS is on the minus strand). VCF-style: chr2-15186826-C-A. GRCh37 (hg19) VCF-style: chr2-15326950-C-A.
Other names: c.6627G>T (NM_015909.3).
Identifiers: ClinVar variation 1587873 (VCV001587873.10), dbSNP rs145283550, ClinGen allele CA1534949.